The following is an entry in ClinVar:

ClinVar aggregate classification (germline): Benign. Review status: criteria provided, multiple submitters, no conflicts (2 of 4 stars). 5 submissions from 5 submitters: Benign (3). 2 of the submissions do not count toward it. Last evaluated 2023-10-01.

Conditions:
Occult macular dystrophy (OCMD). Also called: OMD; OCCULT MACULAR DYSTROPHY, SUSCEPTIBILITY TO. Identifiers: Orphanet 247834, MedGen C3150833, MONDO:0013316, OMIM 613587, HP:0030636.
Retinal dystrophy. Also called: Inherited retinal dystrophy. Identifiers: Orphanet 71862, MedGen C0854723, MeSH D058499, MONDO:0019118, HP:0000556.

Allele frequency attached by ClinVar (database versions not stated): TOPMed 0.00069; gnomAD 0.00076 and 0.00127; ESP Exome Variant Server 0.00103; gnomAD exomes 0.00306; ExAC 0.00371; 1000 Genomes Project 30x 0.00453; 1000 Genomes Project 0.00479.
gnomAD v4.1: 3,106 of 1,613,672 alleles (0.19%); highest among the groups gnomAD compares: South Asian, 1.6%; 39 homozygotes.

Submissions (5):

Dept Of Ophthalmology, Nagoya University
Classification: Benign for Retinal dystrophy. Last evaluated: 2023-10-01. Review status: criteria provided, single submitter. Criteria: Submitter's publication. Collection method: research. Allele origin: germline. Affected: yes.

Illumina Laboratory Services, Illumina
Classification: Benign for Occult macular dystrophy. Last evaluated: 2018-01-12. Review status: criteria provided, single submitter. Criteria: ICSL Variant Classification Criteria 13 December 2019. Collection method: clinical testing. Allele origin: germline.
Comment: This variant was observed in the ICSL laboratory as part of a predisposition screen in an ostensibly healthy population. It had not been previously curated by ICSL or reported in the Human Gene Mutation Database (HGMD: prior to June 1st, 2018), and was therefore a candidate for classification through an automated scoring system. Utilizing variant allele frequency, disease prevalence and penetrance estimates, and inheritance mode, an automated score was calculated to assess if this variant is too frequent to cause the disease. Based on the score and internal cut-off values, a variant classified as benign is not then subjected to further curation. The score for this variant resulted in a classification of benign for this disease.

Breakthrough Genomics
Classification: Benign. Review status: criteria provided, single submitter. Criteria: ACMG Guidelines, 2015. Collection method: not provided. Allele origin: germline. Inheritance: Autosomal recessive inheritance. Affected: yes.

Clinical Genetics DNA and cytogenetics Diagnostics Lab, Erasmus MC, Erasmus Medical Center
Classification: Benign. Review status: no assertion criteria provided. Collection method: clinical testing. Allele origin: germline. Affected: yes. Study: VKGL Data-share Consensus. Not counted in ClinVar's aggregate classification.

Clinical Genetics, Academic Medical Center
Classification: Benign. Review status: no assertion criteria provided. Collection method: clinical testing. Allele origin: germline. Affected: yes. Study: VKGL Data-share Consensus. Not counted in ClinVar's aggregate classification.

NM_178857.6(RP1L1):c.3514C>A (p.Leu1172Ile)

Gene: RP1L1 (RP1 like 1). Cytogenetic location: 8p23.1.
Variant type: single nucleotide variant.
Coding change: c.3514C>A on transcript NM_178857.6 (MANE Select); coding-DNA position 3514, C replaced by A.
Protein change: p.Leu1172Ile; replaces leucine 1172 with isoleucine.
Molecular consequence: missense variant.
Genome position (GRCh38, 1-based): chr8:10,610,584, G>T on the plus strand (C>A on the coding strand, the complement: RP1L1 is on the minus strand). VCF-style: chr8-10610584-G-T. GRCh37 (hg19) VCF-style: chr8-10468094-G-T.
Other names: short protein forms L1172I.
Identifiers: ClinVar variation 361308 (VCV000361308.10), dbSNP rs143870426, ClinGen allele CA4624463.